The following is an entry in ClinVar:

ClinVar aggregate classification (germline): Uncertain significance. Review status: reviewed by expert panel (3 of 4 stars). 6 submissions from 6 submitters: Uncertain significance (1). 5 of the submissions do not count toward it. Last evaluated 2025-09-29.

Conditions:
Inborn genetic diseases. Identifiers: MedGen C0950123, MeSH D030342.
AIPL1-related retinopathy. Also called: AIPL1 retinopathy. Identifiers: MedGen CN305590, MONDO:0100438.
Leber congenital amaurosis 4 (LCA4). Identifiers: MedGen C1858386, MONDO:0011458, OMIM 604393.
AIPL1-related disorder. Also called: AIPL1-related condition; AIPL1-related disorders. Identifiers: MedGen CN239169.

Allele frequency attached by ClinVar (database versions not stated): TOPMed 0.00002; gnomAD 0.00003 and 0.00004; gnomAD exomes 0.00003 and 0.00004; ExAC 0.00006.
gnomAD v4.1: 50 of 1,613,732 alleles (0.0031%); highest among the groups gnomAD compares: Middle Eastern, 0.033%; no homozygotes.

Submissions (6):

ClinGen Leber Congenital Amaurosis/early Onset Retinal Dystrophy Variant Curation Expert Panel, ClinGen
Classification: Uncertain significance for AIPL1-related retinopathy. Last evaluated: 2025-09-29. Review status: reviewed by expert panel. Criteria: ClinGen LCAeoRD ACMG Specifications AIPL1 V1.0.0. Collection method: curation. Allele origin: germline. Inheritance: Autosomal recessive inheritance.
Comment: NM_014336.5(AIPL1):c.281C>T (p.Thr94Met) is a missense variant replacing the threonine at position p.94 with methionine. This variant is present in gnomAD v.4.1.0 at a total allele frequency of 0.000030, with 50 alleles / 1613732 total alleles, which is lower than the ClinGen LCA/eoRD VCEP PM2_Supporting threshold of <0.0004 (PM2_Supporting). The computational predictor REVEL gives a score of 0.687, which is above the ClinGen LCA/eoRD VCEP threshold of ≥0.644 and predicts a damaging effect on AIPL1 protein function (PP3). There are 3 submissions to ClinVar but no publications. In summary, this variant meets the criteria to be classified as a VUS for AIPL1-related retinopathy based on the ACMG/AMP criteria applied, as specified by the ClinGen LCA/eoRD VCEP: PM2_Supporting and PP3. (VCEP specifications version 1.0.0; date of approval 09/24/2025).

Ambry Genetics
Classification: Uncertain significance for Inborn genetic diseases. Last evaluated: 2025-06-30. Review status: criteria provided, single submitter. Criteria: Ambry Variant Classification Scheme 2023. Collection method: clinical testing. Allele origin: germline. Not counted in ClinVar's aggregate classification.

PreventionGenetics, part of Exact Sciences
Classification: Uncertain significance for AIPL1-related condition. Last evaluated: 2025-01-14. Review status: criteria provided, single submitter. Criteria: ACMG Guidelines, 2015. Collection method: clinical testing. Allele origin: germline. Not counted in ClinVar's aggregate classification.
Comment: The AIPL1 c.281C>T variant is predicted to result in the amino acid substitution p.Thr94Met. To our knowledge, this variant has not been reported in the literature. This variant is reported in 0.0062% of alleles in individuals of European (Non-Finnish) descent in gnomAD. At this time, the clinical significance of this variant is uncertain due to the absence of conclusive functional and genetic evidence.

Blueprint Genetics
Classification: Uncertain significance. Last evaluated: 2024-11-01. Review status: criteria provided, single submitter. Criteria: ACMG Guidelines, 2015. Collection method: clinical testing. Allele origin: germline. Not counted in ClinVar's aggregate classification.

Labcorp Genetics (formerly Invitae), Labcorp
Classification: Uncertain significance for Leber congenital amaurosis 4. Last evaluated: 2022-07-06. Review status: criteria provided, single submitter. Criteria: Invitae Variant Classification Sherloc (09022015). Collection method: clinical testing. Allele origin: germline. Not counted in ClinVar's aggregate classification.
Comment: This sequence change replaces threonine, which is neutral and polar, with methionine, which is neutral and non-polar, at codon 94 of the AIPL1 protein (p.Thr94Met). This variant is present in population databases (rs773203055, gnomAD 0.006%). This variant has not been reported in the literature in individuals affected with AIPL1-related conditions. ClinVar contains an entry for this variant (Variation ID: 1486676). Algorithms developed to predict the effect of missense changes on protein structure and function are either unavailable or do not agree on the potential impact of this missense change (SIFT: "Tolerated"; PolyPhen-2: "Probably Damaging"; Align-GVGD: "Class C0"). In summary, the available evidence is currently insufficient to determine the role of this variant in disease. Therefore, it has been classified as a Variant of Uncertain Significance.

Breakthrough Genomics
Classification: Uncertain significance. Review status: criteria provided, single submitter. Criteria: ACMG Guidelines, 2015. Collection method: not provided. Allele origin: germline. Inheritance: Autosomal recessive inheritance. Affected: yes. Not counted in ClinVar's aggregate classification.

NM_014336.5(AIPL1):c.281C>T (p.Thr94Met)

Gene: AIPL1 (AIP like 1 HSP90 co-chaperone; minus strand). Cytogenetic location: 17p13.2.
Variant type: single nucleotide variant.
Coding change: c.281C>T on transcript NM_014336.5 (MANE Select); coding-DNA position 281, C replaced by T.
Protein change: p.Thr94Met; replaces threonine 94 with methionine.
Molecular consequence: missense variant. On other transcripts: intron variant (1).
Genome position (GRCh38, 1-based): chr17:6,428,502, G>A on the plus strand (C>T on the coding strand, the complement: AIPL1 is on the minus strand). VCF-style: chr17-6428502-G-A. GRCh37 (hg19) VCF-style: chr17-6331822-G-A.
Other names: NM_014336.5(AIPL1):c.281C>T; p.Thr94Met; c.281C>T (NM_014336.4, NM_014336.3); c.101C>T, p.Thr34Met (NM_001033055.3); c.245C>T, p.Thr82Met (NM_001285399.3); c.215C>T, p.Thr72Met (NM_001285400.3); c.281C>T, p.Thr94Met (NM_001285401.3, NM_001285403.4); c.164C>T, p.Thr55Met (NM_001285402.2); and 1 more; short protein forms T72M, T34M, T55M, T82M, T94M.
Identifiers: ClinVar variation 1486676 (VCV001486676.10), dbSNP rs773203055, ClinGen allele CA8328551.